The following is an entry in ClinVar:

ClinVar aggregate classification (germline): Uncertain significance. Review status: criteria provided, multiple submitters, no conflicts (2 of 4 stars). 3 submissions from 3 submitters: Uncertain significance (3). Last evaluated 2026-09-01.

Conditions:
Inborn genetic diseases. Identifiers: MedGen C0950123, MeSH D030342.
Baller-Gerold syndrome (BGS). Also called: CRANIOSYNOSTOSIS WITH RADIAL DEFECTS. Identifiers: Orphanet 1225, MedGen C0265308, MONDO:0009039, OMIM 218600.

gnomAD v4.1: 12 of 1,608,780 alleles (0.00075%); highest among the groups gnomAD compares: Non-Finnish European, 0.001%; no homozygotes.

Submissions (3):

CeGaT Center for Human Genetics Tuebingen
Classification: Uncertain significance. Last evaluated: 2026-09-01. Review status: criteria provided, single submitter. Criteria: CeGaT Center For Human Genetics Tuebingen Variant Classification Criteria Version 2. Collection method: clinical testing. Allele origin: germline. Affected: yes. Observed: 1 variant allele.
Comment: RECQL4: PM2, BP4

Ambry Genetics
Classification: Uncertain significance for Inborn genetic diseases. Last evaluated: 2025-02-16. Review status: criteria provided, single submitter. Criteria: Ambry Variant Classification Scheme 2023. Collection method: clinical testing. Allele origin: germline.
Comment: The p.L162F variant (also known as c.484C>T), located in coding exon 5 of the RECQL4 gene, results from a C to T substitution at nucleotide position 484. The leucine at codon 162 is replaced by phenylalanine, an amino acid with highly similar properties. This amino acid position is conserved. In addition, this alteration is predicted to be tolerated by in silico analysis. Based on the available evidence, the clinical significance of this variant remains unclear.

Labcorp Genetics (formerly Invitae), Labcorp
Classification: Uncertain significance for Baller-Gerold syndrome. Last evaluated: 2023-10-16. Review status: criteria provided, single submitter. Criteria: Invitae Variant Classification Sherloc (09022015). Collection method: clinical testing. Allele origin: germline.
Comment: This sequence change replaces leucine, which is neutral and non-polar, with phenylalanine, which is neutral and non-polar, at codon 162 of the RECQL4 protein (p.Leu162Phe). This variant is not present in population databases (gnomAD no frequency). This variant has not been reported in the literature in individuals affected with RECQL4-related conditions. ClinVar contains an entry for this variant (Variation ID: 1392282). Experimental studies and prediction algorithms are not available or were not evaluated, and the functional significance of this variant is currently unknown. In summary, the available evidence is currently insufficient to determine the role of this variant in disease. Therefore, it has been classified as a Variant of Uncertain Significance.

NM_004260.4(RECQL4):c.484C>T (p.Leu162Phe)

Gene: RECQL4 (RecQ like helicase 4; minus strand). Cytogenetic location: 8q24.3.
Variant type: single nucleotide variant.
Coding change: c.484C>T on transcript NM_004260.4 (MANE Select); coding-DNA position 484, C replaced by T.
Protein change: p.Leu162Phe; replaces leucine 162 with phenylalanine.
Molecular consequence: missense variant.
Genome position (GRCh38, 1-based): chr8:144,516,635, G>A on the plus strand (C>T on the coding strand, the complement: RECQL4 is on the minus strand). VCF-style: chr8-144516635-G-A. GRCh37 (hg19) VCF-style: chr8-145742019-G-A.
Other names: c.484C>T (NM_004260.3); short protein forms L162F.
Identifiers: ClinVar variation 1392282 (VCV001392282.9), dbSNP rs2130727988, ClinGen allele CA372691298.